The following is an entry in ClinVar:

NM_001830.4(CLCN4):c.1808G>A (p.Arg603Gln)

Gene: CLCN4 (chloride voltage-gated channel 4; plus strand). Cytogenetic location: Xp22.2.
Variant type: single nucleotide variant.
Coding change: c.1808G>A on transcript NM_001830.4 (MANE Select); coding-DNA position 1808, G replaced by A.
Protein change: p.Arg603Gln; replaces arginine 603 with glutamine.
Molecular consequence: missense variant.
Genome position (GRCh38, 1-based): chrX:10,213,912, G>A. VCF-style: chrX-10213912-G-A. GRCh37 (hg19) VCF-style: chrX-10181952-G-A.
Other names: c.1526G>A, p.Arg509Gln (NM_001256944.2); short protein forms R509Q, R603Q.
Identifiers: ClinVar variation 1047535 (VCV001047535.8), dbSNP rs201895993, ClinGen allele CA412042642.

ClinVar aggregate classification (germline): Uncertain significance (1 of 4 stars; one submission).

Allele frequency attached by ClinVar (database versions not stated): gnomAD exomes below 0.00001.
gnomAD v4.1: 2 of 1,211,194 alleles (0.00017%); highest among the groups gnomAD compares: Non-Finnish European, 0.00022%; no homozygotes.

Submission:

Labcorp Genetics (formerly Invitae), Labcorp
Classification: Uncertain significance. Last evaluated: 2022-07-12. Review status: criteria provided, single submitter. Criteria: Invitae Variant Classification Sherloc (09022015). Collection method: clinical testing. Allele origin: germline.
Comment: This sequence change replaces arginine, which is basic and polar, with glutamine, which is neutral and polar, at codon 603 of the CLCN4 protein (p.Arg603Gln). This variant is not present in population databases (gnomAD no frequency). This variant has not been reported in the literature in individuals affected with CLCN4-related conditions. ClinVar contains an entry for this variant (Variation ID: 1047535). Algorithms developed to predict the effect of missense changes on protein structure and function (SIFT, PolyPhen-2, Align-GVGD) all suggest that this variant is likely to be tolerated. Algorithms developed to predict the effect of sequence changes on RNA splicing suggest that this variant may create or strengthen a splice site. In summary, the available evidence is currently insufficient to determine the role of this variant in disease. Therefore, it has been classified as a Variant of Uncertain Significance.